The following is an entry in ClinVar:

NM_001099403.2(PRDM8):c.34G>A (p.Asp12Asn)

Gene: PRDM8 (PR/SET domain 8; plus strand). Cytogenetic location: 4q21.21.
Variant type: single nucleotide variant.
Coding change: c.34G>A on transcript NM_001099403.2 (MANE Select); coding-DNA position 34, G replaced by A.
Protein change: p.Asp12Asn; replaces aspartic acid 12 with asparagine.
Molecular consequence: missense variant.
Genome position (GRCh38, 1-based): chr4:80,200,114, G>A. VCF-style: chr4-80200114-G-A. GRCh37 (hg19) VCF-style: chr4-81121268-G-A.
Other names: c.34G>A, p.Asp12Asn (NM_020226.4); short protein forms D12N.
Identifiers: ClinVar variation 1063110 (VCV001063110.9), dbSNP rs768984964, ClinGen allele CA357390573.

ClinVar aggregate classification (germline): Uncertain significance (1 of 4 stars; one submission).

Conditions:
Early-onset Lafora body disease. Also called: Epilepsy, progressive myoclonic, 10. Identifiers: Orphanet 324290, MedGen C4225258, MONDO:0014717, OMIM 616640.

gnomAD v4.1: 2 of 1,613,960 alleles (0.00012%); highest among the groups gnomAD compares: Middle Eastern, 0.016%; no homozygotes.

Submission:

Labcorp Genetics (formerly Invitae), Labcorp
Classification: Uncertain significance for Early-onset Lafora body disease. Last evaluated: 2020-01-06. Review status: criteria provided, single submitter. Criteria: Invitae Variant Classification Sherloc (09022015). Collection method: clinical testing. Allele origin: germline.
Comment: In summary, the available evidence is currently insufficient to determine the role of this variant in disease. Therefore, it has been classified as a Variant of Uncertain Significance. Algorithms developed to predict the effect of missense changes on protein structure and function (SIFT, PolyPhen-2, Align-GVGD) all suggest that this variant is likely to be tolerated, but these predictions have not been confirmed by published functional studies and their clinical significance is uncertain. This variant has not been reported in the literature in individuals with PRDM8-related conditions. This variant is not present in population databases (ExAC no frequency). This sequence change replaces aspartic acid with asparagine at codon 12 of the PRDM8 protein (p.Asp12Asn). The aspartic acid residue is moderately conserved and there is a small physicochemical difference between aspartic acid and asparagine.